The following is an entry in ClinVar:

ClinVar aggregate classification (germline): Pathogenic (1 of 4 stars; one submission).

Submission:

Labcorp Genetics (formerly Invitae), Labcorp
Classification: Pathogenic. Last evaluated: 2023-07-09. Review status: criteria provided, single submitter. Criteria: Invitae Variant Classification Sherloc (09022015). Collection method: clinical testing. Allele origin: germline.
Comment: This sequence change creates a premature translational stop signal (p.His2346Serfs*3) in the USH2A gene. It is expected to result in an absent or disrupted protein product. Loss-of-function variants in USH2A are known to be pathogenic (PMID: 10729113, 10909849, 20507924, 25649381). This variant is not present in population databases (gnomAD no frequency). For these reasons, this variant has been classified as Pathogenic. This variant has not been reported in the literature in individuals affected with USH2A-related conditions.

Literature cited by the submitters: PubMed 10729113; PubMed 10909849; PubMed 20507924; PubMed 25649381.

NM_206933.4(USH2A):c.7034_7035insTT (p.His2346fs)

Gene: USH2A (usherin; minus strand). Cytogenetic location: 1q41.
Variant type: Insertion.
Coding change: c.7034_7035insTT on transcript NM_206933.4 (MANE Select); coding-DNA positions 7034 to 7035, TT inserted.
Protein change: p.His2346fs; shifts the reading frame from histidine 2346.
Molecular consequence: frameshift variant.
Genome position: GRCh38 VCF-style: chr1-215965402-G-GAA. GRCh37 (hg19) VCF-style: chr1-216138744-G-GAA.
Other names: short protein forms H2346fs.
Identifiers: ClinVar variation 2739366 (VCV002739366.3), dbSNP rs2527554411, ClinGen allele CA2697554914.